The following is an entry in ClinVar:

ClinVar aggregate classification (germline): Uncertain significance (1 of 4 stars; one submission).

Allele frequency attached by ClinVar (database versions not stated): gnomAD exomes below 0.00001.
gnomAD v4.1: 2 of 1,603,032 alleles (0.00012%); highest among the groups gnomAD compares: Non-Finnish European, 0.000085%; no homozygotes.

Submission:

Labcorp Genetics (formerly Invitae), Labcorp
Classification: Uncertain significance. Last evaluated: 2023-11-27. Review status: criteria provided, single submitter. Criteria: Invitae Variant Classification Sherloc (09022015). Collection method: clinical testing. Allele origin: germline.
Comment: This sequence change replaces threonine, which is neutral and polar, with isoleucine, which is neutral and non-polar, at codon 1320 of the ADGRA3 protein (p.Thr1320Ile). This variant is not present in population databases (gnomAD no frequency). This variant has not been reported in the literature in individuals affected with ADGRA3-related conditions. An algorithm developed to predict the effect of missense changes on protein structure and function (PolyPhen-2) suggests that this variant is likely to be disruptive. In summary, the available evidence is currently insufficient to determine the role of this variant in disease. Therefore, it has been classified as a Variant of Uncertain Significance.

NM_145290.4(ADGRA3):c.3959C>T (p.Thr1320Ile)

Gene: ADGRA3 (adhesion G protein-coupled receptor A3; minus strand). Cytogenetic location: 4p15.2.
Variant type: single nucleotide variant.
Coding change: c.3959C>T on transcript NM_145290.4 (MANE Select); coding-DNA position 3959, C replaced by T.
Protein change: p.Thr1320Ile; replaces threonine 1320 with isoleucine.
Molecular consequence: missense variant.
Genome position (GRCh38, 1-based): chr4:22,387,712, G>A on the plus strand (C>T on the coding strand, the complement: ADGRA3 is on the minus strand). VCF-style: chr4-22387712-G-A. GRCh37 (hg19) VCF-style: chr4-22389335-G-A.
Other names: short protein forms T1320I.
Identifiers: ClinVar variation 2814550 (VCV002814550.3), dbSNP rs2474685085, ClinGen allele CA356471310.